The following is an entry in ClinVar:

NM_001039591.3(USP9X):c.3960A>G (p.Leu1320=)

Gene: USP9X (ubiquitin specific peptidase 9 X-linked; plus strand). Cytogenetic location: Xp11.4.
Variant type: single nucleotide variant.
Coding change: c.3960A>G on transcript NM_001039591.3 (MANE Select); coding-DNA position 3960, A replaced by G.
Protein change: p.Leu1320=; no amino-acid change (leucine 1320 retained).
Molecular consequence: synonymous variant.
Genome position (GRCh38, 1-based): chrX:41,189,458, A>G. VCF-style: chrX-41189458-A-G. GRCh37 (hg19) VCF-style: chrX-41048711-A-G.
Other names: c.3960A>G, p.Leu1320= (NM_001039590.3); c.3975A>G, p.Leu1325= (NM_001410748.1, NM_001410749.1).
Identifiers: ClinVar variation 2186833 (VCV002186833.32), dbSNP rs368774902, ClinGen allele CA10388793.

ClinVar aggregate classification (germline): Benign/Likely benign. Review status: criteria provided, multiple submitters, no conflicts (2 of 4 stars). 2 submissions from 2 submitters: Benign (1); Likely benign (1). Last evaluated 2025-12-19.

Allele frequency attached by ClinVar (database versions not stated): ExAC 0.00006; TOPMed 0.00008; gnomAD 0.00012; gnomAD exomes 0.00013; ESP Exome Variant Server 0.00019.
gnomAD v4.1: 168 of 1,202,492 alleles (0.014%); highest among the groups gnomAD compares: Non-Finnish European, 0.016%; no homozygotes.

Submissions (2):

Labcorp Genetics (formerly Invitae), Labcorp
Classification: Benign. Last evaluated: 2025-12-19. Review status: criteria provided, single submitter. Criteria: Invitae Variant Classification Sherloc (09022015). Collection method: clinical testing. Allele origin: germline.

CeGaT Center for Human Genetics Tuebingen
Classification: Likely benign. Last evaluated: 2023-03-01. Review status: criteria provided, single submitter. Criteria: CeGaT Center For Human Genetics Tuebingen Variant Classification Criteria Version 2. Collection method: clinical testing. Allele origin: germline. Affected: yes. Observed: 1 variant allele.
Comment: USP9X: BP4, BP7, BS2